The following is an entry in ClinVar:

NM_000138.5(FBN1):c.266G>T (p.Cys89Phe)

Gene: FBN1 (fibrillin 1; minus strand). Cytogenetic location: 15q21.1.
Variant type: single nucleotide variant.
Coding change: c.266G>T on transcript NM_000138.5 (MANE Select); coding-DNA position 266, G replaced by T.
Protein change: p.Cys89Phe; replaces cysteine 89 with phenylalanine.
Molecular consequence: missense variant.
Genome position (GRCh38, 1-based): chr15:48,610,808, C>A on the plus strand (G>T on the coding strand, the complement: FBN1 is on the minus strand). VCF-style: chr15-48610808-C-A. GRCh37 (hg19) VCF-style: chr15-48903005-C-A.
Other names: short protein forms C89F.
Identifiers: ClinVar variation 944581 (VCV000944581.12), dbSNP rs112660651, ClinGen allele CA270059115.

ClinVar aggregate classification (germline): Pathogenic. Review status: criteria provided, multiple submitters, no conflicts (2 of 4 stars). 3 submissions from 3 submitters: Pathogenic (3). Last evaluated 2025-03-11.

Conditions:
Familial thoracic aortic aneurysm and aortic dissection (TAAD). Also called: Thoracic aortic aneurysms and dissections. Identifiers: Orphanet 91387, MedGen C4707243, MONDO:0019625.
Marfan syndrome (MFS). Also called: Marfan syndrome, classic; Marfan syndrome type 1; Marfan's syndrome; FBN1-Related Marfan Syndrome; MARFAN SYNDROME, TYPE I. Identifiers: Orphanet 284963, Orphanet 558, MedGen C0024796, MONDO:0007947, OMIM 154700.
FBN1-related disorder. Also called: FBN1-related disorders.

Submissions (3):

Labcorp Genetics (formerly Invitae), Labcorp
Classification: Pathogenic for Marfan syndrome; Familial thoracic aortic aneurysm and aortic dissection. Last evaluated: 2025-03-11. Review status: criteria provided, single submitter. Criteria: Invitae Variant Classification Sherloc (09022015). Collection method: clinical testing. Allele origin: germline.
Comment: This sequence change replaces cysteine, which is neutral and slightly polar, with phenylalanine, which is neutral and non-polar, at codon 89 of the FBN1 protein (p.Cys89Phe). This variant is not present in population databases (gnomAD no frequency). This missense change has been observed in individuals with Marfan syndrome (PMID: 11700157, 27234404; internal data). ClinVar contains an entry for this variant (Variation ID: 944581). Invitae Evidence Modeling of protein sequence and biophysical properties (such as structural, functional, and spatial information, amino acid conservation, physicochemical variation, residue mobility, and thermodynamic stability) indicates that this missense variant is expected to disrupt FBN1 protein function with a positive predictive value of 95%. This variant affects a cysteine residue in the EGF-like, TGFBP or hybrid motif domains of FBN1. Cysteine residues are believed to be involved in intramolecular disulfide bridges and have been shown to be important for FBN1 protein structure (PMID: 16905551, 19349279). In addition, missense substitutions affecting cysteine residues within these domains are significantly overrepresented among patients with Marfan syndrome (PMID: 16571647, 17701892). For these reasons, this variant has been classified as Pathogenic.

Blueprint Genetics
Classification: Pathogenic for FBN1-related disorders. Last evaluated: 2024-11-25. Review status: criteria provided, single submitter. Criteria: ACMG Guidelines, 2015. Collection method: clinical testing. Allele origin: germline. Affected: yes. Observed: 1 variant allele.

GeneDx
Classification: Pathogenic. Last evaluated: 2021-04-07. Review status: criteria provided, single submitter. Criteria: GeneDx Variant Classification Process June 2021. Collection method: clinical testing. Allele origin: germline. Affected: yes.
Comment: Has been reported in association with Marfan syndrome (Loeys et al., 2001; Wooderchak-Donahue et al., 2015; Hernandiz et al., 2021); Not observed in large population cohorts (Lek et al., 2016); In silico analysis supports that this missense variant has a deleterious effect on protein structure/function; Affects a cysteine residue within an EGF-like domain of the FBN1 gene, which may affect disulfide bonding and is predicted to alter the structure and function of the protein; cysteine substitutions in the EGF-like domains represent the majority of pathogenic missense changes associated with FBN1-related disorders (Collod-Beroud et al., 2003); Reported in ClinVar as pathogenic (ClinVar Variant ID# 944581; Landrum et al., 2016); This variant is associated with the following publications: (PMID: 33174221, 16905551, 19349279, 27234404, 25944730, 24941995, 11700157)

Literature cited by the submitters: PubMed 11700157 (cited by Labcorp Genetics (formerly Invitae), Labcorp); PubMed 27234404 (cited by Labcorp Genetics (formerly Invitae), Labcorp); PubMed 16905551 (cited by Labcorp Genetics (formerly Invitae), Labcorp); PubMed 19349279 (cited by Labcorp Genetics (formerly Invitae), Labcorp); PubMed 16571647 (cited by Labcorp Genetics (formerly Invitae), Labcorp); PubMed 17701892 (cited by Labcorp Genetics (formerly Invitae), Labcorp).